The following is an entry in ClinVar:

NM_201384.3(PLEC):c.10024T>A (p.Ser3342Thr)

Gene: PLEC (plectin; minus strand). Cytogenetic location: 8q24.3.
Variant type: single nucleotide variant.
Coding change: c.10024T>A on transcript NM_201384.3 (MANE Select); coding-DNA position 10024, T replaced by A.
Protein change: p.Ser3342Thr; replaces serine 3342 with threonine.
Molecular consequence: missense variant.
Genome position (GRCh38, 1-based): chr8:143,919,797, A>T on the plus strand (T>A on the coding strand, the complement: PLEC is on the minus strand). VCF-style: chr8-143919797-A-T. GRCh37 (hg19) VCF-style: chr8-144993965-A-T.
Other names: c.10105T>A, p.Ser3369Thr (NM_000445.5); c.6724T>A, p.Ser2242Thr (NM_001410941.1); c.9982T>A, p.Ser3328Thr (NM_201378.4); c.9958T>A, p.Ser3320Thr (NM_201379.3); c.10435T>A, p.Ser3479Thr (NM_201380.4); c.9928T>A, p.Ser3310Thr (NM_201381.3); c.10024T>A, p.Ser3342Thr (NM_201382.4); c.10036T>A, p.Ser3346Thr (NM_201383.3); short protein forms S2242T, S3320T, S3328T, S3479T, S3310T, S3346T, S3369T, S3342T.
Identifiers: ClinVar variation 2942640 (VCV002942640.3), dbSNP rs2537288271, ClinGen allele CA372504535.

ClinVar aggregate classification (germline): Uncertain significance (1 of 4 stars; one submission).

Conditions:
Epidermolysis bullosa simplex with nail dystrophy (EBS5D). Identifiers: MedGen C4225309, MONDO:0014661, OMIM 616487.
Epidermolysis bullosa simplex, Ogna type (EBS5A). Also called: Pidermolysis bullosa simplex 5A, Ogna type; EPIDERMOLYSIS BULLOSA SIMPLEX 5A, OGNA TYPE. Identifiers: Orphanet 79401, MedGen C0432317, MONDO:0007555, OMIM 131950.
Autosomal recessive limb-girdle muscular dystrophy type 2Q (LGMDR17). Also called: MUSCULAR DYSTROPHY, LIMB-GIRDLE, AUTOSOMAL RECESSIVE 17. Identifiers: Orphanet 254361, MedGen C3150989, MONDO:0013390, OMIM 613723.
Epidermolysis bullosa simplex 5B, with muscular dystrophy (EBS5B). Also called: EPIDERMOLYSIS BULLOSA SIMPLEX AND LIMB-GIRDLE MUSCULAR DYSTROPHY; Epidermolysis bullosa simplex with muscular dystrophy. Identifiers: Orphanet 257, MedGen C2931072, MONDO:0009181, OMIM 226670.
Epidermolysis bullosa simplex 5C, with pyloric atresia (EBS5C). Also called: PLEC-Related Epidermolysis Bullosa with Pyloric Atresia; Epidermolysis bullosa simplex with pyloric atresia; PLEC1-Related Epidermolysis Bullosa with Pyloric Atresia. Identifiers: Orphanet 158684, MedGen C2677349, MONDO:0012807, OMIM 612138.

Submission:

Labcorp Genetics (formerly Invitae), Labcorp
Classification: Uncertain significance for Autosomal recessive limb-girdle muscular dystrophy type 2Q; Epidermolysis bullosa simplex, Ogna type; Epidermolysis bullosa simplex with nail dystrophy; Epidermolysis bullosa simplex 5C, with pyloric atresia; Epidermolysis bullosa simplex 5B, with muscular dystrophy. Last evaluated: 2022-12-23. Review status: criteria provided, single submitter. Criteria: Invitae Variant Classification Sherloc (09022015). Collection method: clinical testing. Allele origin: germline.
Comment: In summary, the available evidence is currently insufficient to determine the role of this variant in disease. Therefore, it has been classified as a Variant of Uncertain Significance. Algorithms developed to predict the effect of missense changes on protein structure and function are either unavailable or do not agree on the potential impact of this missense change (SIFT: "Deleterious"; PolyPhen-2: "Probably Damaging"; Align-GVGD: "Class C0"). This variant has not been reported in the literature in individuals affected with PLEC-related conditions. This variant is not present in population databases (gnomAD no frequency). This sequence change replaces serine, which is neutral and polar, with threonine, which is neutral and polar, at codon 3369 of the PLEC protein (p.Ser3369Thr).